The following is an entry in ClinVar:

NM_002693.3(POLG):c.1760dup (p.Ser590fs)

Gene: POLG (DNA polymerase gamma, catalytic subunit; minus strand). Cytogenetic location: 15q26.1.
Variant type: Duplication.
Coding change: c.1760dup on transcript NM_002693.3 (MANE Select); coding-DNA position 1760, one base duplicated (C; older notation c.1760dupC).
Protein change: p.Ser590fs; shifts the reading frame from serine 590.
Molecular consequence: frameshift variant.
Genome position (GRCh38, 1-based): chr15:89,325,639, G duplicated on the plus strand (C on the coding strand, the reverse complement: POLG is on the minus strand); the first of 4 consecutive G bases (chr15:89,325,639-89,325,642); duplicating any one gives the same sequence. VCF-style (leftmost placement, unchanged base first): chr15-89325638-C-CG. GRCh37 (hg19) VCF-style: chr15-89868869-C-CG.
Other names: c.1760dup, p.Ser590fs (NM_001126131.2); short protein forms S590fs.
Identifiers: ClinVar variation 5014716 (VCV005014716.1).
Genomic context (GRCh38, chr15:89,325,638, plus strand): 5'-CCAGGTAAGTGCCATGAGTTTAGGTGTGACCCGCATCTGCAGGCTGAGGAGGCTGGGGCC[C>CG]GGGGTCCATGCAGGGTCGTCTAGCCGGGGGCAGAGCTTCCGGTACCATCTACGTCCCAGC-3'

ClinVar aggregate classification (germline): Pathogenic (1 of 4 stars; one submission).

Conditions:
POLG-related disorder. Also called: POLG-Related Spectrum Disorders; POLG-related condition; POLG-Related Disorders. Identifiers: MedGen C4763519.

Submission:

Myriad Genetics, Inc.
Classification: Pathogenic for POLG-related disorder. Last evaluated: 2025-07-14. Review status: criteria provided, single submitter. Criteria: Myriad Autosomal Dominant, Autosomal Recessive and X-Linked Classification Criteria (2023). Collection method: clinical testing. Allele origin: unknown.
Comment: NM_002693.2(POLG):c.1760dupC(S590Qfs*12) is expected to be pathogenic in the context of POLG-related disorders. This variant is predicted to lead to an abnormal or absent protein product due to the creation of a premature termination codon in POLG, a gene where loss-of-function variants are known to be pathogenic. Please note: this variant was assessed in the context of healthy population screening.